The following is an entry in ClinVar:

NM_001543.5(NDST1):c.1850C>T (p.Thr617Ile)

Gene: NDST1 (N-deacetylase and N-sulfotransferase 1; plus strand). Cytogenetic location: 5q33.1.
Variant type: single nucleotide variant.
Coding change: c.1850C>T on transcript NM_001543.5 (MANE Select); coding-DNA position 1850, C replaced by T.
Protein change: p.Thr617Ile; replaces threonine 617 with isoleucine.
Molecular consequence: missense variant.
Genome position (GRCh38, 1-based): chr5:150,542,851, C>T. VCF-style: chr5-150542851-C-T. GRCh37 (hg19) VCF-style: chr5-149922413-C-T.
Other names: p.(Thr617Ile); c.1850C>T, p.Thr617Ile (NM_001301063.2); short protein forms T617I.
Identifiers: ClinVar variation 2507152 (VCV002507152.2), dbSNP rs1295693644, ClinGen allele CA361768399.

ClinVar aggregate classification (germline): Uncertain significance (1 of 4 stars; one submission).

Allele frequency attached by ClinVar (database versions not stated): gnomAD 0.00001.
gnomAD v4.1: 1 of 1,614,038 alleles (0.000062%); highest among the groups gnomAD compares: Admixed American, 0.0017%; no homozygotes.

Submission:

GeneDx
Classification: Uncertain significance. Last evaluated: 2024-05-08. Review status: criteria provided, single submitter. Criteria: GeneDx Variant Classification Process June 2021. Collection method: clinical testing. Allele origin: germline. Affected: yes.
Comment: Not observed at significant frequency in large population cohorts (gnomAD); In silico analysis supports that this missense variant has a deleterious effect on protein structure/function; Has not been previously published as pathogenic or benign to our knowledge